The following is an entry in ClinVar:

NM_005996.4(TBX3):c.564G>A (p.Pro188=)

Gene: TBX3 (T-box transcription factor 3; minus strand). Cytogenetic location: 12q24.21.
Variant type: single nucleotide variant.
Coding change: c.564G>A on transcript NM_005996.4 (MANE Select); coding-DNA position 564, G replaced by A.
Protein change: p.Pro188=; no amino-acid change (proline 188 retained).
Molecular consequence: synonymous variant.
Genome position (GRCh38, 1-based): chr12:114,680,972, C>T on the plus strand (G>A on the coding strand, the complement: TBX3 is on the minus strand). VCF-style: chr12-114680972-C-T. GRCh37 (hg19) VCF-style: chr12-115118777-C-T.
Other names: c.564G>A (NM_016569.3); c.564G>A, p.Pro188= (NM_016569.4).
Identifiers: ClinVar variation 2899325 (VCV002899325.4), dbSNP rs761461348, ClinGen allele CA6810174.

ClinVar aggregate classification (germline): Likely benign. Review status: criteria provided, multiple submitters, no conflicts (2 of 4 stars). 2 submissions from 2 submitters: Likely benign (2). Last evaluated 2026-07-07.

Conditions:
TBX3-related disorder. Also called: TBX3-related condition.
Ulnar-mammary syndrome (UMS). Also called: Ulnar-mammary syndrome of Pallister; SCHINZEL SYNDROME; PALLISTER ULNAR-MAMMARY SYNDROME. Identifiers: Orphanet 3138, MedGen C1866994, MONDO:0008411, OMIM 181450.

Submissions (2):

PreventionGenetics, part of Exact Sciences
Classification: Likely benign for TBX3-related condition. Last evaluated: 2026-07-07. Review status: criteria provided, single submitter. Criteria: ACMG Guidelines, 2015. Collection method: clinical testing. Allele origin: germline.
Comment: This variant is classified as likely benign based on ACMG/AMP sequence variant interpretation guidelines (Richards et al. 2015 PMID: 25741868, with internal and published modifications).

Labcorp Genetics (formerly Invitae), Labcorp
Classification: Likely benign for Ulnar-mammary syndrome. Last evaluated: 2025-02-11. Review status: criteria provided, single submitter. Criteria: Invitae Variant Classification Sherloc (09022015). Collection method: clinical testing. Allele origin: germline.